The following is an entry in ClinVar:

ClinVar aggregate classification (germline): Pathogenic. Review status: criteria provided, multiple submitters, no conflicts (2 of 4 stars). 2 submissions from 2 submitters: Pathogenic (2). Last evaluated 2024-03-20.

Conditions:
Hereditary nonpolyposis colorectal neoplasms. Identifiers: MedGen C0009405, MeSH D003123.
Lynch syndrome 5 (LYNCH5). Also called: Hereditary non-polyposis colorectal cancer, type 5; Colorectal cancer, hereditary nonpolyposis, type 5. Identifiers: Orphanet 144, MedGen C1833477, MONDO:0013710, OMIM 614350. Disease mechanism: loss of function.

Submissions (2):

Myriad Genetics, Inc.
Classification: Pathogenic for Lynch syndrome 5. Last evaluated: 2024-03-20. Review status: criteria provided, single submitter. Criteria: Myriad Autosomal Dominant, Autosomal Recessive and X-Linked Classification Criteria (2023). Collection method: clinical testing. Allele origin: unknown.
Comment: This variant is considered pathogenic. This variant creates a frameshift predicted to result in premature protein truncation.

Labcorp Genetics (formerly Invitae), Labcorp
Classification: Pathogenic for Hereditary nonpolyposis colorectal neoplasms. Last evaluated: 2022-02-18. Review status: criteria provided, single submitter. Criteria: Invitae Variant Classification Sherloc (09022015). Collection method: clinical testing. Allele origin: germline.
Comment: This sequence change creates a premature translational stop signal (p.Val762Argfs*15) in the MSH6 gene. It is expected to result in an absent or disrupted protein product. Loss-of-function variants in MSH6 are known to be pathogenic (PMID: 18269114, 24362816). This variant is not present in population databases (gnomAD no frequency). This variant has not been reported in the literature in individuals affected with MSH6-related conditions. For these reasons, this variant has been classified as Pathogenic.

Literature cited by the submitters: PubMed 18269114 (cited by Labcorp Genetics (formerly Invitae), Labcorp); PubMed 24362816 (cited by Labcorp Genetics (formerly Invitae), Labcorp).

NM_000179.3(MSH6):c.2279_2283dup (p.Val762fs)

Gene: MSH6 (mutS homolog 6; plus strand). Cytogenetic location: 2p16.3.
Variant type: Duplication.
Coding change: c.2279_2283dup on transcript NM_000179.3 (MANE Select); coding-DNA positions 2279 to 2283, 5 bases duplicated (AGAGG; older notation c.2279_2283dupAGAGG).
Protein change: p.Val762fs; shifts the reading frame from valine 762.
Molecular consequence: frameshift variant.
Genome position (GRCh38, 1-based): chr2:47,800,262-47,800,266, AGAGG duplicated; duplicating any 5 consecutive bases within chr2:47,800,261-47,800,266 gives the same sequence; the c. name uses the placement nearest the transcript's 3' end. VCF-style (leftmost placement, unchanged base first): chr2-47800260-A-AGAGAG. GRCh37 (hg19) VCF-style: chr2-48027399-A-AGAGAG.
Other names: c.1889_1893dup, p.Val632fs (NM_001281492.2); c.1373_1377dup, p.Val460fs (NM_001281493.2, NM_001281494.2); short protein forms V762fs, V460fs, V632fs.
Identifiers: ClinVar variation 1382835 (VCV001382835.7), dbSNP rs2104398078, ClinGen allele CA2573135007.
Genomic context (GRCh38, chr2:47,800,260, plus strand): 5'-ATTAAACAACTTGGAGATTTTTCTGAATGGAACAAATGGTTCTACTGAAGGAACCCTACT[A>AGAGAG]GAGAGGGTTGATACTTGCCATACTCCTTTTGGTAAGCGGCTCCTAAAGCAATGGCTTTGT-3'